The following is an entry in ClinVar:

ClinVar aggregate classification (germline): Uncertain significance (1 of 4 stars; one submission).

Submission:

CeGaT Center for Human Genetics Tuebingen
Classification: Uncertain significance. Last evaluated: 2022-10-01. Review status: criteria provided, single submitter. Criteria: CeGaT Center For Human Genetics Tuebingen Variant Classification Criteria Version 2. Collection method: clinical testing. Allele origin: germline. Affected: yes. Observed: 1 variant allele.
Comment: HNRNPU: PM2, PS2:Moderate, PP2

NM_031844.3(HNRNPU):c.1881C>G (p.Asp627Glu)

Gene: HNRNPU (heterogeneous nuclear ribonucleoprotein U; minus strand). Cytogenetic location: 1q44.
Variant type: single nucleotide variant.
Coding change: c.1881C>G on transcript NM_031844.3 (MANE Select); coding-DNA position 1881, C replaced by G.
Protein change: p.Asp627Glu; replaces aspartic acid 627 with glutamic acid.
Molecular consequence: missense variant.
Genome position (GRCh38, 1-based): chr1:244,856,488, G>C on the plus strand (C>G on the coding strand, the complement: HNRNPU is on the minus strand). VCF-style: chr1-244856488-G-C. GRCh37 (hg19) VCF-style: chr1-245019790-G-C.
Other names: c.1824C>G, p.Asp608Glu (NM_004501.3); short protein forms D608E, D627E.
Identifiers: ClinVar variation 1879124 (VCV001879124.29), dbSNP rs2527505510, ClinGen allele CA345488850.